The following is an entry in ClinVar:

ClinVar aggregate classification (germline): Conflicting classifications of pathogenicity. Review status: criteria provided, conflicting classifications (1 of 4 stars). 3 submissions from 2 submitters: Uncertain significance (1); Benign (2). Last evaluated 2022-04-01.

Conditions:
Autosomal dominant nonsyndromic hearing loss 17. Also called: Deafness, autosomal dominant 17; Autosomal dominant nonsyndromic deafness 17. Identifiers: Orphanet 90635, MedGen C1863659, MONDO:0011350, OMIM 603622.
MYH9-related disorder. Identifiers: MedGen C1854520.

Allele frequency attached by ClinVar (database versions not stated): 1000 Genomes Project 0.00080; TOPMed 0.00085; gnomAD 0.00091; 1000 Genomes Project 30x 0.00094; gnomAD exomes 0.00114.
gnomAD v4.1: 371 of 347,286 alleles (0.11%); highest among the groups gnomAD compares: Middle Eastern, 0.17%; 1 homozygote.

Submissions (3):

CeGaT Center for Human Genetics Tuebingen
Classification: Benign. Last evaluated: 2022-04-01. Review status: criteria provided, single submitter. Criteria: CeGaT Center For Human Genetics Tuebingen Variant Classification Criteria Version 2. Collection method: clinical testing. Allele origin: germline. Affected: yes. Observed: 1 variant allele.
Comment: MYH9: BS1, BS2

Illumina Laboratory Services, Illumina
Classification: Uncertain significance for Autosomal dominant nonsyndromic hearing loss 17. Last evaluated: 2018-01-12. Review status: criteria provided, single submitter. Criteria: ICSL Variant Classification Criteria 13 December 2019. Collection method: clinical testing. Allele origin: germline.

Illumina Laboratory Services, Illumina
Classification: Benign for MYH9-related disorder. Last evaluated: 2018-01-12. Review status: criteria provided, single submitter. Criteria: ICSL Variant Classification Criteria 13 December 2019. Collection method: clinical testing. Allele origin: germline.
Comment: This variant was observed in the ICSL laboratory as part of a predisposition screen in an ostensibly healthy population. It had not been previously curated by ICSL or reported in the Human Gene Mutation Database (HGMD: prior to June 1st, 2018), and was therefore a candidate for classification through an automated scoring system. Utilizing variant allele frequency, disease prevalence and penetrance estimates, and inheritance mode, an automated score was calculated to assess if this variant is too frequent to cause the disease. Based on the score and internal cut-off values, a variant classified as benign is not then subjected to further curation. The score for this variant resulted in a classification of benign for this disease.

NM_002473.6(MYH9):c.*474C>T

Gene: MYH9 (myosin heavy chain 9; minus strand). Cytogenetic location: 22q12.3.
Variant type: single nucleotide variant.
Coding change: c.*474C>T on transcript NM_002473.6 (MANE Select); 474 bases downstream of the stop codon, C replaced by T.
Molecular consequence: 3 prime UTR variant.
Genome position (GRCh38, 1-based): chr22:36,282,194, G>A on the plus strand (C>T on the coding strand, the complement: MYH9 is on the minus strand). VCF-style: chr22-36282194-G-A. GRCh37 (hg19) VCF-style: chr22-36678240-G-A.
Identifiers: ClinVar variation 341477 (VCV000341477.29), dbSNP rs55979529, ClinGen allele CA10645439.